The following is an entry in ClinVar:

NM_014727.3(KMT2B):c.7357C>T (p.His2453Tyr)

Gene: KMT2B (lysine methyltransferase 2B; plus strand). Cytogenetic location: 19q13.12.
Variant type: single nucleotide variant.
Coding change: c.7357C>T on transcript NM_014727.3 (MANE Select); coding-DNA position 7357, C replaced by T.
Protein change: p.His2453Tyr; replaces histidine 2453 with tyrosine.
Molecular consequence: missense variant.
Genome position (GRCh38, 1-based): chr19:35,736,971, C>T. VCF-style: chr19-35736971-C-T. GRCh37 (hg19) VCF-style: chr19-36227872-C-T.
Other names: short protein forms H2453Y.
Identifiers: ClinVar variation 3067537 (VCV003067537.21), dbSNP rs1300836423, ClinGen allele CA405436194.

ClinVar aggregate classification (germline): Uncertain significance (1 of 4 stars; one submission).

Allele frequency attached by ClinVar (database versions not stated): TOPMed below 0.00001.

Submission:

CeGaT Center for Human Genetics Tuebingen
Classification: Uncertain significance. Last evaluated: 2024-03-01. Review status: criteria provided, single submitter. Criteria: CeGaT Center For Human Genetics Tuebingen Variant Classification Criteria Version 2. Collection method: clinical testing. Allele origin: germline. Affected: yes. Observed: 1 variant allele.
Comment: KMT2B: PM2, PP2